The following is an entry in ClinVar:

ClinVar aggregate classification (germline): Uncertain significance (1 of 4 stars; one submission).

Conditions:
D-2-hydroxyglutaric aciduria 2 (D2HGA2). Identifiers: Orphanet 79315, MedGen C3150909, MONDO:0013345, OMIM 613657.

Allele frequency attached by ClinVar (database versions not stated): TOPMed 0.00005; ESP Exome Variant Server 0.00008; gnomAD exomes 0.00001; gnomAD 0.00005.

Submission:

Labcorp Genetics (formerly Invitae), Labcorp
Classification: Uncertain significance for D-2-hydroxyglutaric aciduria 2. Last evaluated: 2025-07-28. Review status: criteria provided, single submitter. Criteria: Invitae Variant Classification Sherloc (09022015). Collection method: clinical testing. Allele origin: germline.
Comment: This sequence change replaces lysine, which is basic and polar, with glutamine, which is neutral and polar, at codon 130 of the IDH2 protein (p.Lys130Gln). This variant is present in population databases (rs144978761, gnomAD 0.01%). This variant has not been reported in the literature in individuals affected with IDH2-related conditions. ClinVar contains an entry for this variant (Variation ID: 2720715). Invitae Evidence Modeling of protein sequence and biophysical properties (such as structural, functional, and spatial information, amino acid conservation, physicochemical variation, residue mobility, and thermodynamic stability) indicates that this missense variant is not expected to disrupt IDH2 protein function with a negative predictive value of 80%. In summary, the available evidence is currently insufficient to determine the role of this variant in disease. Therefore, it has been classified as a Variant of Uncertain Significance.

NM_002168.4(IDH2):c.388A>C (p.Lys130Gln)

Gene: IDH2 (isocitrate dehydrogenase (NADP(+)) 2; minus strand). Cytogenetic location: 15q26.1.
Variant type: single nucleotide variant.
Coding change: c.388A>C on transcript NM_002168.4 (MANE Select); coding-DNA position 388, A replaced by C.
Protein change: p.Lys130Gln; replaces lysine 130 with glutamine.
Molecular consequence: missense variant. On other transcripts: 5 prime UTR variant (1).
Genome position (GRCh38, 1-based): chr15:90,088,733, T>G on the plus strand (A>C on the coding strand, the complement: IDH2 is on the minus strand). VCF-style: chr15-90088733-T-G. GRCh37 (hg19) VCF-style: chr15-90631965-T-G.
Other names: c.232A>C, p.Lys78Gln (NM_001289910.1); c.-3A>C (NM_001290114.2); short protein forms K130Q, K78Q.
Identifiers: ClinVar variation 2720715 (VCV002720715.3), dbSNP rs144978761, ClinGen allele CA274624037.